The following is an entry in ClinVar:

NM_014244.5(ADAMTS2):c.3161_3163del (p.Ile1054del)

Gene: ADAMTS2 (ADAM metallopeptidase with thrombospondin type 1 motif 2; minus strand). Cytogenetic location: 5q35.3.
Variant type: Deletion.
Coding change: c.3161_3163del on transcript NM_014244.5 (MANE Select); coding-DNA positions 3161 to 3163, 3 bases deleted (TCC; older notation c.3161_3163delTCC).
Protein change: p.Ile1054del; deletes isoleucine 1054.
Molecular consequence: inframe deletion.
Genome position (GRCh38, 1-based): chr5:179,121,676-179,121,678, GGA deleted on the plus strand (TCC on the coding strand, the reverse complement: ADAMTS2 is on the minus strand). VCF-style (leftmost placement, unchanged base first): chr5-179121675-CGGA-C. GRCh37 (hg19) VCF-style: chr5-178548676-CGGA-C.
Other names: short protein forms I1054del.
Identifiers: ClinVar variation 2182540 (VCV002182540.4), dbSNP rs1762766125, ClinGen allele CA2497132022.

ClinVar aggregate classification (germline): Uncertain significance (1 of 4 stars; one submission).

Conditions:
Ehlers-Danlos syndrome, dermatosparaxis type. Also called: EDS VIIC; Ehlers-Danlos syndrome, type VII, autosomal recessive; Dermatosparaxis. Identifiers: Orphanet 1901, MedGen C2700425, MONDO:0009161, OMIM 225410.

Allele frequency attached by ClinVar (database versions not stated): gnomAD exomes below 0.00001; TOPMed below 0.00001.

Submission:

Labcorp Genetics (formerly Invitae), Labcorp
Classification: Uncertain significance for Ehlers-Danlos syndrome, dermatosparaxis type. Last evaluated: 2021-12-21. Review status: criteria provided, single submitter. Criteria: Invitae Variant Classification Sherloc (09022015). Collection method: clinical testing. Allele origin: germline.
Comment: In summary, the available evidence is currently insufficient to determine the role of this variant in disease. Therefore, it has been classified as a Variant of Uncertain Significance. Algorithms developed to predict the effect of sequence changes on RNA splicing suggest that this variant may create or strengthen a splice site. Experimental studies and prediction algorithms are not available or were not evaluated, and the functional significance of this variant is currently unknown. This variant has not been reported in the literature in individuals affected with ADAMTS2-related conditions. This variant is not present in population databases (gnomAD no frequency). This variant, c.3161_3163del, results in the deletion of 1 amino acid(s) of the ADAMTS2 protein (p.Ile1054del), but otherwise preserves the integrity of the reading frame.